The following is an entry in ClinVar:

NM_003183.6(ADAM17):c.1344+6T>C

Genes: ADAM17 (ADAM metallopeptidase domain 17; minus strand), IAH1 (isoamyl acetate hydrolyzing esterase 1 (putative); plus strand). Cytogenetic location: 2p25.1.
Variant type: single nucleotide variant.
Coding change: c.1344+6T>C on transcript NM_003183.6 (MANE Select); 6 bases into the intron after coding-DNA position 1344, T replaced by C.
Molecular consequence: intron variant.
Genome position (GRCh38, 1-based): chr2:9,509,973, A>G on the plus strand (T>C on the coding strand, the complement: ADAM17 is on the minus strand). VCF-style: chr2-9509973-A-G. GRCh37 (hg19) VCF-style: chr2-9650102-A-G.
Other names: c.684+6T>C (NM_001382777.1); c.447+6T>C (NM_001382778.1).
Identifiers: ClinVar variation 1469557 (VCV001469557.9), dbSNP rs752978791, ClinGen allele CA1523527.
Genomic context (GRCh38, chr2:9,509,973, plus strand): 5'-TCTCATTATGATCATTATACACAGCCTCTTTCCAAACCACATAAAAAATTCTCGACACAC[A>G]CATACCTTATTGTTCTCGTGATCGCCACTCACAGCTATGGGATACATGACATATTTCCCT-3'

ClinVar aggregate classification (germline): Uncertain significance (1 of 4 stars; one submission).

Conditions:
Inflammatory skin and bowel disease, neonatal, 1. Identifiers: Orphanet 294023, MedGen C3280501, MONDO:0013693, OMIM 614328.

Allele frequency attached by ClinVar (database versions not stated): gnomAD exomes below 0.00001; ExAC 0.00001; gnomAD 0.00001.
gnomAD v4.1: 1 of 1,613,506 alleles (0.000062%); highest among the groups gnomAD compares: African/African-American, 0.0013%; no homozygotes.

Submissions (2):

Labcorp Genetics (formerly Invitae), Labcorp
Classification: Uncertain significance for Inflammatory skin and bowel disease, neonatal, 1. Last evaluated: 2024-12-09. Review status: criteria provided, single submitter. Criteria: Invitae Variant Classification Sherloc (09022015). Collection method: clinical testing. Allele origin: germline.
Comment: This sequence change falls in intron 11 of the ADAM17 gene. It does not directly change the encoded amino acid sequence of the ADAM17 protein. It affects a nucleotide within the consensus splice site. This variant is present in population databases (rs752978791, gnomAD 0.007%). This variant has not been reported in the literature in individuals affected with ADAM17-related conditions. ClinVar contains an entry for this variant (Variation ID: 1469557). Variants that disrupt the consensus splice site are a relatively common cause of aberrant splicing (PMID: 17576681, 9536098). Algorithms developed to predict the effect of sequence changes on RNA splicing suggest that this variant is not likely to affect RNA splicing. In summary, the available evidence is currently insufficient to determine the role of this variant in disease. Therefore, it has been classified as a Variant of Uncertain Significance.

Dr. Peter K. Rogan Lab, Western University
No classification provided (evidence only). Condition: Lung cancer. Review status: no classification provided. Collection method: in vitro. Allele origin: not applicable. Functional consequence: retained intron. Not counted in ClinVar's aggregate classification.

Literature cited by the submitters: PubMed 17576681 (cited by Labcorp Genetics (formerly Invitae), Labcorp); PubMed 9536098 (cited by Labcorp Genetics (formerly Invitae), Labcorp).